The following is an entry in ClinVar:

ClinVar aggregate classification (germline): Uncertain significance (1 of 4 stars; one submission).

Conditions:
Congenital myasthenic syndrome 12 (CMS12). Also called: MYASTHENIC SYNDROME, CONGENITAL, WITH TUBULAR AGGREGATES 1; Myasthenia, congenital, 12, with tubular aggregates. Identifiers: Orphanet 353327, Orphanet 590, MedGen C3552335, MONDO:0012518, OMIM 610542.

Allele frequency attached by ClinVar (database versions not stated): gnomAD 0.00001.

Submission:

Labcorp Genetics (formerly Invitae), Labcorp
Classification: Uncertain significance for Congenital myasthenic syndrome 12. Last evaluated: 2022-05-04. Review status: criteria provided, single submitter. Criteria: Invitae Variant Classification Sherloc (09022015). Collection method: clinical testing. Allele origin: germline.
Comment: Variants that disrupt the consensus splice site are a relatively common cause of aberrant splicing (PMID: 17576681, 9536098). Algorithms developed to predict the effect of sequence changes on RNA splicing suggest that this variant may disrupt the consensus splice site. In summary, the available evidence is currently insufficient to determine the role of this variant in disease. Therefore, it has been classified as a Variant of Uncertain Significance. Algorithms developed to predict the effect of missense changes on protein structure and function are either unavailable or do not agree on the potential impact of this missense change (SIFT: "Deleterious"; PolyPhen-2: "Probably Damaging"; Align-GVGD: "Class C0"). This variant has not been reported in the literature in individuals affected with GFPT1-related conditions. This variant is not present in population databases (gnomAD no frequency). This sequence change replaces valine, which is neutral and non-polar, with methionine, which is neutral and non-polar, at codon 369 of the GFPT1 protein (p.Val369Met). This variant also falls at the last nucleotide of exon 12, which is part of the consensus splice site for this exon.

Literature cited by the submitters: PubMed 17576681; PubMed 9536098.

NM_001244710.2(GFPT1):c.1105G>A (p.Val369Met)

Gene: GFPT1 (glutamine--fructose-6-phosphate transaminase 1; minus strand). Cytogenetic location: 2p13.3.
Variant type: single nucleotide variant.
Coding change: c.1105G>A on transcript NM_001244710.2 (MANE Select); coding-DNA position 1105, G replaced by A.
Protein change: p.Val369Met; replaces valine 369 with methionine.
Molecular consequence: missense variant.
Genome position (GRCh38, 1-based): chr2:69,345,904, C>T on the plus strand (G>A on the coding strand, the complement: GFPT1 is on the minus strand). VCF-style: chr2-69345904-C-T. GRCh37 (hg19) VCF-style: chr2-69573036-C-T.
Other names: c.1051G>A, p.Val351Met (NM_002056.4); short protein forms V351M, V369M.
Identifiers: ClinVar variation 1984103 (VCV001984103.3), dbSNP rs1671069741, ClinGen allele CA347126178.
Genomic context (GRCh38, chr2:69,345,904, plus strand): 5'-TTAATGGCACCTCCTACTGTCAGAGACACTGAAATAATAAAATAATTCATATGTAATTAC[C>T]AGTATAGTCATCAAAGTTGACTCTTCCTCTCATTGTGTTCACGACAGACTCTGGCTGCTC-3'
Protein context (NP_001231639.1, residues 359-379): RGRVNFDDYT[Val369Met]NLGGLKDHIK